The following is an entry in ClinVar:

ClinVar aggregate classification (germline): Uncertain significance. Review status: criteria provided, multiple submitters, no conflicts (2 of 4 stars). 2 submissions from 2 submitters: Uncertain significance (2). Last evaluated 2025-06-12.

Submissions (2):

Labcorp Genetics (formerly Invitae), Labcorp
Classification: Uncertain significance. Last evaluated: 2025-06-12. Review status: criteria provided, single submitter. Criteria: Invitae Variant Classification Sherloc (09022015). Collection method: clinical testing. Allele origin: germline.
Comment: This sequence change replaces isoleucine, which is neutral and non-polar, with valine, which is neutral and non-polar, at codon 235 of the SLC41A1 protein (p.Ile235Val). This variant is present in population databases (rs376304533, gnomAD 0.04%). This variant has not been reported in the literature in individuals affected with SLC41A1-related conditions. ClinVar contains an entry for this variant (Variation ID: 3319800). An algorithm developed to predict the effect of missense changes on protein structure and function (PolyPhen-2) suggests that this variant is likely to be tolerated. In summary, the available evidence is currently insufficient to determine the role of this variant in disease. Therefore, it has been classified as a Variant of Uncertain Significance.

Ambry Genetics
Classification: Uncertain significance. Last evaluated: 2024-05-14. Review status: criteria provided, single submitter. Criteria: Ambry Variant Classification Scheme 2023. Collection method: clinical testing. Allele origin: germline.

NM_173854.6(SLC41A1):c.703A>G (p.Ile235Val)

Gene: SLC41A1 (solute carrier family 41 member 1; minus strand). Cytogenetic location: 1q32.1.
Variant type: single nucleotide variant.
Coding change: c.703A>G on transcript NM_173854.6 (MANE Select); coding-DNA position 703, A replaced by G.
Protein change: p.Ile235Val; replaces isoleucine 235 with valine.
Molecular consequence: missense variant.
Genome position (GRCh38, 1-based): chr1:205,798,810, T>C on the plus strand (A>G on the coding strand, the complement: SLC41A1 is on the minus strand). VCF-style: chr1-205798810-T-C. GRCh37 (hg19) VCF-style: chr1-205767938-T-C.
Other names: short protein forms I235V.
Identifiers: ClinVar variation 3319800 (VCV003319800.2).
Genomic context (GRCh38, chr1:205,798,810, plus strand): 5'-TGGCCACGTTGTCTGGGTTGATCCCAATCTTGCGAGAGCCAATGATGACTCCAATCATGA[T>C]CATACCTGGTGAGCAAGTGGGAGGAGGGGCAGGCAGGGTGAGAAGAGATAAAGGAGTCTC-3'
Protein context (NP_776253.3, residues 225-245): AFIASLVLGM[Ile235Val]MIGVIIGSRK